The following is an entry in ClinVar:

NM_001374828.1(ARID1B):c.2642G>A (p.Gly881Glu)

Gene: ARID1B (AT-rich interaction domain 1B; plus strand). Cytogenetic location: 6q25.3.
Variant type: single nucleotide variant.
Coding change: c.2642G>A on transcript NM_001374828.1 (MANE Select); coding-DNA position 2642, G replaced by A.
Protein change: p.Gly881Glu; replaces glycine 881 with glutamic acid.
Molecular consequence: missense variant. On other transcripts: intron variant (1).
Genome position (GRCh38, 1-based): chr6:157,133,088, G>A. VCF-style: chr6-157133088-G-A. GRCh37 (hg19) VCF-style: chr6-157454222-G-A.
Other names: c.143G>A, p.Gly48Glu (NM_001363725.2, NM_001438488.1); c.2681G>A, p.Gly894Glu (NM_001371656.1, NM_001374820.1); c.2642G>A, p.Gly881Glu (NM_001438482.1, NM_017519.3); c.2684G>A, p.Gly895Glu (NM_001438483.1, NM_001438486.1); c.2552G>A, p.Gly851Glu (NM_001438485.1); c.2582-15536G>A (NM_001438487.1); short protein forms G48E, G851E, G881E, G894E, G895E.
Identifiers: ClinVar variation 4801398 (VCV004801398.1).

ClinVar aggregate classification (germline): Uncertain significance (1 of 4 stars; one submission).

Submission:

Labcorp Genetics (formerly Invitae), Labcorp
Classification: Uncertain significance. Last evaluated: 2025-09-07. Review status: criteria provided, single submitter. Criteria: Invitae Variant Classification Sherloc (09022015). Collection method: clinical testing. Allele origin: germline.
Comment: This sequence change replaces glycine, which is neutral and non-polar, with glutamic acid, which is acidic and polar, at codon 811 of the ARID1B protein (p.Gly811Glu). This variant is not present in population databases (gnomAD no frequency). This variant has not been reported in the literature in individuals affected with ARID1B-related conditions. Invitae Evidence Modeling of protein sequence and biophysical properties (such as structural, functional, and spatial information, amino acid conservation, physicochemical variation, residue mobility, and thermodynamic stability) indicates that this missense variant is not expected to disrupt ARID1B protein function with a negative predictive value of 95%. In summary, the available evidence is currently insufficient to determine the role of this variant in disease. Therefore, it has been classified as a Variant of Uncertain Significance.